The following is an entry in ClinVar:

ClinVar aggregate classification (germline): Benign (1 of 4 stars; one submission).

Conditions:
Fleck corneal dystrophy (CFD). Also called: CORNEAL DYSTROPHY, FRANCOIS-NEETENS SPECKLED OR FLECKED. Identifiers: Orphanet 98970, MedGen C1562113, MONDO:0007376, OMIM 121850.

Allele frequency attached by ClinVar (database versions not stated): gnomAD 0.00001 and 0.00003; gnomAD exomes 0.00001 and 0.00002; TOPMed 0.00001; ExAC 0.00002; 1000 Genomes Project 30x 0.00016; 1000 Genomes Project 0.00020.
gnomAD v4.1: 20 of 1,612,260 alleles (0.0012%); highest among the groups gnomAD compares: East Asian, 0.02%; no homozygotes.

Submission:

Illumina Laboratory Services, Illumina
Classification: Benign for Fleck corneal dystrophy. Last evaluated: 2018-01-13. Review status: criteria provided, single submitter. Criteria: ICSL Variant Classification Criteria 13 December 2019. Collection method: clinical testing. Allele origin: germline.
Comment: This variant was observed in the ICSL laboratory as part of a predisposition screen in an ostensibly healthy population. It had not been previously curated by ICSL or reported in the Human Gene Mutation Database (HGMD: prior to June 1st, 2018), and was therefore a candidate for classification through an automated scoring system. Utilizing variant allele frequency, disease prevalence and penetrance estimates, and inheritance mode, an automated score was calculated to assess if this variant is too frequent to cause the disease. Based on the score and internal cut-off values, a variant classified as benign is not then subjected to further curation. The score for this variant resulted in a classification of benign for this disease.

NM_015040.4(PIKFYVE):c.4811-9T>C

Gene: PIKFYVE (phosphoinositide kinase, FYVE-type zinc finger containing; plus strand). Cytogenetic location: 2q34.
Variant type: single nucleotide variant.
Coding change: c.4811-9T>C on transcript NM_015040.4 (MANE Select); 9 bases into the intron before coding-DNA position 4811, T replaced by C.
Molecular consequence: intron variant.
Genome position (GRCh38, 1-based): chr2:208,340,002, T>C. VCF-style: chr2-208340002-T-C. GRCh37 (hg19) VCF-style: chr2-209204726-T-C.
Identifiers: ClinVar variation 897400 (VCV000897400.4), dbSNP rs148173811, ClinGen allele CA2080463.